The following is an entry in ClinVar:

ClinVar aggregate classification (germline): Uncertain significance. Review status: criteria provided, multiple submitters, no conflicts (2 of 4 stars). 4 submissions from 4 submitters: Uncertain significance (4). Last evaluated 2025-07-31.

Conditions:
RP1-related disorder. Also called: RP1-related condition.
Inborn genetic diseases. Identifiers: MedGen C0950123, MeSH D030342.

Allele frequency attached by ClinVar (database versions not stated): gnomAD exomes 0.00002 and 0.00004; ExAC 0.00003; gnomAD 0.00003 and 0.00004; TOPMed 0.00004.

Submissions (4):

Labcorp Genetics (formerly Invitae), Labcorp
Classification: Uncertain significance. Last evaluated: 2025-07-31. Review status: criteria provided, single submitter. Criteria: Invitae Variant Classification Sherloc (09022015). Collection method: clinical testing. Allele origin: germline.
Comment: This sequence change replaces serine, which is neutral and polar, with cysteine, which is neutral and slightly polar, at codon 538 of the RP1 protein (p.Ser538Cys). This variant is present in population databases (rs757568473, gnomAD 0.004%). This missense change has been observed in individual(s) with clinical features of RP1-related conditions (internal data). ClinVar contains an entry for this variant (Variation ID: 1062717). An algorithm developed to predict the effect of missense changes on protein structure and function (PolyPhen-2) suggests that this variant is likely to be tolerated. In summary, the available evidence is currently insufficient to determine the role of this variant in disease. Therefore, it has been classified as a Variant of Uncertain Significance.

Ambry Genetics
Classification: Uncertain significance for Inborn genetic diseases. Last evaluated: 2025-06-18. Review status: criteria provided, single submitter. Criteria: Ambry Variant Classification Scheme 2023. Collection method: clinical testing. Allele origin: germline.

PreventionGenetics, part of Exact Sciences
Classification: Uncertain significance for RP1-related condition. Last evaluated: 2025-05-09. Review status: criteria provided, single submitter. Criteria: ACMG Guidelines, 2015. Collection method: clinical testing. Allele origin: germline.
Comment: The RP1 c.1612A>T variant is predicted to result in the amino acid substitution p.Ser538Cys. To our knowledge, this variant has not been reported in the literature. This variant is reported in 0.0044% of alleles in individuals of European (Non-Finnish) descent in gnomAD. At this time, the clinical significance of this variant is uncertain due to the absence of conclusive functional and genetic evidence.

Blueprint Genetics
Classification: Uncertain significance. Last evaluated: 2021-10-27. Review status: criteria provided, single submitter. Criteria: ACMG Guidelines, 2015. Collection method: clinical testing. Allele origin: germline.

NM_006269.2(RP1):c.1612A>T (p.Ser538Cys)

Gene: RP1 (RP1 axonemal microtubule associated; plus strand). Cytogenetic location: 8q12.1.
Variant type: single nucleotide variant.
Coding change: c.1612A>T on transcript NM_006269.2 (MANE Select); coding-DNA position 1612, A replaced by T.
Protein change: p.Ser538Cys; replaces serine 538 with cysteine.
Molecular consequence: missense variant. On other transcripts: intron variant (1).
Genome position (GRCh38, 1-based): chr8:54,625,494, A>T. VCF-style: chr8-54625494-A-T. GRCh37 (hg19) VCF-style: chr8-55538054-A-T.
Other names: c.1612A>T (NM_006269.1); c.787+3206A>T (NM_001375654.1); short protein forms S538C.
Identifiers: ClinVar variation 1062717 (VCV001062717.11), dbSNP rs757568473, ClinGen allele CA4751408.
Genomic context (GRCh38, chr8:54,625,494, plus strand): 5'-GTTCAGATCAATAACAATGATCAAATGGAGGAGTCATCATTAGAAAGAAAAAAGGAAAAC[A>T]GTCTGCTTAAGTCAAGTGCAATAAGTGCTGGTGTTATAGAAATTACAAGTCAGAAGATGT-3'
Protein context (NP_006260.1, residues 528-548): ESSLERKKEN[Ser538Cys]LLKSSAISAG